The following is an entry in ClinVar:

ClinVar aggregate classification (germline): Uncertain significance (1 of 4 stars; one submission).

gnomAD v4.1: 2 of 1,401,578 alleles (0.00014%); highest among the groups gnomAD compares: Non-Finnish European, 0.00019%; no homozygotes.

Submission:

Ambry Genetics
Classification: Uncertain significance. Last evaluated: 2025-07-02. Review status: criteria provided, single submitter. Criteria: Ambry Variant Classification Scheme 2023. Collection method: clinical testing. Allele origin: germline.
Comment: The p.G3E variant (also known as c.8G>A), located in coding exon 1 of the ATRIP gene, results from a G to A substitution at nucleotide position 8. The glycine at codon 3 is replaced by glutamic acid, an amino acid with similar properties. This amino acid position is conserved. In addition, this alteration is predicted to be tolerated by in silico analysis. Based on the available evidence, the clinical significance of this variant remains unclear.

NM_130384.3(ATRIP):c.8G>A (p.Gly3Glu)

Genes: ATRIP (ATR interacting protein; plus strand), ATRIP-TREX1 (ATRIP-TREX1 readthrough; plus strand), LOC129936703 (ATAC-STARR-seq lymphoblastoid silent region 14331; plus strand). Cytogenetic location: 3p21.31.
Variant type: single nucleotide variant.
Coding change: c.8G>A on transcript NM_130384.3 (MANE Select); coding-DNA position 8, G replaced by A.
Protein change: p.Gly3Glu; replaces glycine 3 with glutamic acid.
Molecular consequence: missense variant. On other transcripts: non-coding transcript variant (1), intron variant (1).
Genome position (GRCh38, 1-based): chr3:48,446,853, G>A. VCF-style: chr3-48446853-G-A. GRCh37 (hg19) VCF-style: chr3-48488257-G-A.
Other names: c.8G>A, p.Gly3Glu (NM_032166.4); c.-218+54G>A (NM_001271022.2); short protein forms G3E.
Identifiers: ClinVar variation 4181948 (VCV004181948.1).